The following is an entry in ClinVar:

ClinVar aggregate classification (germline): Likely benign. Review status: criteria provided, multiple submitters, no conflicts (2 of 4 stars). 3 submissions from 3 submitters: Likely benign (3). Last evaluated 2026-01-21.

Conditions:
Waardenburg syndrome type 2A (WS2A). Also called: WAARDENBURG SYNDROME WITHOUT DYSTOPIA CANTHORUM. Identifiers: Orphanet 3440, MedGen C1860339, MONDO:0008671, OMIM 193510.
Tietz syndrome (TADS). Also called: ALBINISM-DEAFNESS OF TIETZ; HYPOPIGMENTATION/DEAFNESS OF TIETZ; TIETZ ALBINISM-DEAFNESS SYNDROME. Identifiers: Orphanet 42665, MedGen C0391816, MONDO:0007077, OMIM 103500.
Melanoma, cutaneous malignant, susceptibility to, 8. Also called: MELANOMA AND RENAL CELL CARCINOMA, SUSCEPTIBILITY TO; Cutaneous malignant melanoma 8. Identifiers: Orphanet 293822, MedGen C3152204, MONDO:0013759, OMIM 614456.

Allele frequency attached by ClinVar (database versions not stated): ESP Exome Variant Server 0.00008; gnomAD 0.00012 and 0.00014; gnomAD exomes 0.00014 and 0.00017; TOPMed 0.00018; ExAC 0.00024; 1000 Genomes Project 0.00040; 1000 Genomes Project 30x 0.00047.
gnomAD v4.1: 219 of 1,609,112 alleles (0.014%); highest among the groups gnomAD compares: South Asian, 0.074%; no homozygotes.

Submissions (3):

Labcorp Genetics (formerly Invitae), Labcorp
Classification: Likely benign for Melanoma, cutaneous malignant, susceptibility to, 8; Waardenburg syndrome type 2A; Tietz syndrome. Last evaluated: 2026-01-21. Review status: criteria provided, single submitter. Criteria: Invitae Variant Classification Sherloc (09022015). Collection method: clinical testing. Allele origin: germline.

Blueprint Genetics
Classification: Likely benign. Last evaluated: 2024-05-29. Review status: criteria provided, single submitter. Criteria: ACMG Guidelines, 2015. Collection method: clinical testing. Allele origin: germline.

Laboratory for Molecular Medicine, Mass General Brigham Personalized Medicine
Classification: Likely benign. Last evaluated: 2018-01-09. Review status: criteria provided, single submitter. Criteria: LMM Criteria. Collection method: clinical testing. Allele origin: germline. Observed: 1 variant allele.
Comment: c.666+15G>C in intron 4 of MITF: This variant is not expected to have clinical s ignificance because it is not located within the conserved splice consensus sequ ence. It has been identified in 21/30630 South Asian chromosomes by the Genome A ggregation Database (gnomAD; dbSNP rs201698367 ).

NM_001354604.2(MITF):c.666+15G>C

Gene: MITF (melanocyte inducing transcription factor; plus strand). Cytogenetic location: 3p13.
Variant type: single nucleotide variant.
Coding change: c.666+15G>C on transcript NM_001354604.2 (MANE Select); 15 bases into the intron after coding-DNA position 666, G replaced by C.
Molecular consequence: intron variant.
Genome position (GRCh38, 1-based): chr3:69,939,196, G>C. VCF-style: chr3-69939196-G-C. GRCh37 (hg19) VCF-style: chr3-69988347-G-C.
Other names: c.615+15G>C (NM_001354607.2); c.510+15G>C (NM_001354608.2, NM_001184967.2); c.666+15G>C (NM_198159.3); c.663+15G>C (NM_001354605.2, NM_001354606.2, NM_006722.3); c.618+15G>C (NM_198177.3); c.345+15G>C (NM_000248.4, NM_198158.3); c.177+15G>C (NM_198178.3).
Identifiers: ClinVar variation 504772 (VCV000504772.10), dbSNP rs201698367, ClinGen allele CA2490419.